The following is an entry in ClinVar:

ClinVar aggregate classification (germline): Uncertain significance. Review status: criteria provided, multiple submitters, no conflicts (2 of 4 stars). 2 submissions from 2 submitters: Uncertain significance (2). Last evaluated 2026-06-28.

Conditions:
Hereditary cancer-predisposing syndrome. Also called: Neoplastic Syndromes, Hereditary; Hereditary neoplastic syndrome; Hereditary Cancer Syndrome; Tumor predisposition. Identifiers: Orphanet 140162, MedGen C0027672, MeSH D009386, MONDO:0015356.
Bloom syndrome (BLM). Also called: Bloom-Torre-Machacek syndrome. Identifiers: Orphanet 125, MedGen C0005859, MONDO:0008876, OMIM 210900.

Submissions (2):

Ambry Genetics
Classification: Uncertain significance for Hereditary cancer-predisposing syndrome. Last evaluated: 2026-06-28. Review status: criteria provided, single submitter. Criteria: Ambry Variant Classification Scheme 2023. Collection method: clinical testing. Allele origin: germline.
Comment: The p.P145A variant (also known as c.433C>G), located in coding exon 2 of the BLM gene, results from a C to G substitution at nucleotide position 433. The proline at codon 145 is replaced by alanine, an amino acid with highly similar properties. This amino acid position is conserved. In addition, this alteration is predicted to be tolerated by in silico analysis. Based on the available evidence, the clinical significance of this variant remains unclear.

Labcorp Genetics (formerly Invitae), Labcorp
Classification: Uncertain significance for Bloom syndrome. Last evaluated: 2017-04-09. Review status: criteria provided, single submitter. Criteria: Invitae Variant Classification Sherloc (09022015). Collection method: clinical testing. Allele origin: germline.
Comment: In summary, this variant is a novel missense change that is not predicted to affect protein function. There is no indication that it causes disease, but the available evidence is currently insufficient to prove that conclusively. Therefore, it has been classified as a Variant of Uncertain Significance. This sequence change replaces proline with alanine at codon 145 of the BLM protein (p.Pro145Ala). The proline residue is weakly conserved and there is a small physicochemical difference between proline and alanine. Algorithms developed to predict the effect of missense changes on protein structure and function output the following: SIFT: "Tolerated"; PolyPhen-2: "Benign"; Align-GVGD: "Class C0". The alanine amino acid residue is found in multiple mammalian species, suggesting that this missense change does not adversely affect protein function. These predictions have not been confirmed by published functional studies. This variant is not present in population databases (ExAC no frequency) and has not been reported in the literature in individuals with a BLM-related disease.

NM_000057.4(BLM):c.433C>G (p.Pro145Ala)

Gene: BLM (BLM RecQ like helicase; plus strand). Cytogenetic location: 15q26.1.
Variant type: single nucleotide variant.
Coding change: c.433C>G on transcript NM_000057.4 (MANE Select); coding-DNA position 433, C replaced by G.
Protein change: p.Pro145Ala; replaces proline 145 with alanine.
Molecular consequence: missense variant. On other transcripts: 5 prime UTR variant (1).
Genome position (GRCh38, 1-based): chr15:90,749,701, C>G. VCF-style: chr15-90749701-C-G. GRCh37 (hg19) VCF-style: chr15-91292931-C-G.
Other names: c.433C>G, p.Pro145Ala (NM_001287246.2, NM_001287247.2); c.-859C>G (NM_001287248.2); c.433C>G (NM_000057.2); short protein forms P145A.
Identifiers: ClinVar variation 454154 (VCV000454154.11), dbSNP rs1555418335, ClinGen allele CA393840538.